The following is an entry in ClinVar:

NM_002202.3(ISL1):c.990A>G (p.Ser330=)

Gene: ISL1 (ISL LIM homeobox 1; plus strand). Cytogenetic location: 5q11.1.
Variant type: single nucleotide variant.
Coding change: c.990A>G on transcript NM_002202.3 (MANE Select); coding-DNA position 990, A replaced by G.
Protein change: p.Ser330=; no amino-acid change (serine 330 retained).
Molecular consequence: synonymous variant.
Genome position (GRCh38, 1-based): chr5:51,393,550, A>G. VCF-style: chr5-51393550-A-G. GRCh37 (hg19) VCF-style: chr5-50689384-A-G.
Identifiers: ClinVar variation 3353565 (VCV003353565.1).

ClinVar aggregate classification (germline): Likely benign (0 of 4 stars; one submission).

Conditions:
ISL1-related disorder. Also called: ISL1-related condition.

gnomAD v4.1: 1 of 1,614,056 alleles (0.000062%); highest among the groups gnomAD compares: South Asian, 0.0011%; no homozygotes.

Submission:

PreventionGenetics, part of Exact Sciences
Classification: Likely benign for ISL1-related condition. Last evaluated: 2022-05-26. Review status: no assertion criteria provided. Collection method: clinical testing. Allele origin: germline.
Comment: This variant is classified as likely benign based on ACMG/AMP sequence variant interpretation guidelines (Richards et al. 2015 PMID: 25741868, with internal and published modifications).